The following is an entry in ClinVar:

ClinVar aggregate classification (germline): Uncertain significance (1 of 4 stars; one submission).

Conditions:
Inborn genetic diseases. Identifiers: MedGen C0950123, MeSH D030342.

Submission:

Ambry Genetics
Classification: Uncertain significance for Inborn genetic diseases. Last evaluated: 2026-07-05. Review status: criteria provided, single submitter. Criteria: Ambry Variant Classification Scheme 2023. Collection method: clinical testing. Allele origin: germline.
Comment: The p.S155T variant (also known as c.464G>C), located in coding exon 4 of the PAX5 gene, results from a G to C substitution at nucleotide position 464. The serine at codon 155 is replaced by threonine, an amino acid with similar properties. This amino acid position is conserved. In addition, the in silico prediction for this alteration is inconclusive. Based on the available evidence, the clinical significance of this variant remains unclear.

NM_016734.3(PAX5):c.464G>C (p.Ser155Thr)

Genes: PAX5 (paired box 5; minus strand), LOC105376032 (uncharacterized LOC105376032; plus strand). Cytogenetic location: 9p13.2.
Variant type: single nucleotide variant.
Coding change: c.464G>C on transcript NM_016734.3 (MANE Select); coding-DNA position 464, G replaced by C.
Protein change: p.Ser155Thr; replaces serine 155 with threonine.
Molecular consequence: missense variant. On other transcripts: non-coding transcript variant (2).
Genome position (GRCh38, 1-based): chr9:37,006,484, C>G on the plus strand (G>C on the coding strand, the complement: PAX5 is on the minus strand). VCF-style: chr9-37006484-C-G. GRCh37 (hg19) VCF-style: chr9-37006481-C-G.
Other names: c.464G>C, p.Ser155Thr (NM_001280552.2, NM_001280553.2, NM_001280554.2 and 4 more transcripts); c.266G>C, p.Ser89Thr (NM_001280555.2); c.140G>C, p.Ser47Thr (NM_001280556.2, NM_001280551.2); short protein forms S155T, S47T, S89T.
Identifiers: ClinVar variation 5026293 (VCV005026293.1).